The following is an entry in ClinVar:

NM_002206.3(ITGA7):c.2412G>T (p.Glu804Asp)

Genes: ITGA7 (integrin subunit alpha 7; minus strand), LOC126861535 (CDK7 strongly-dependent group 2 enhancer GRCh37_chr12:56087579-56088778; plus strand). Cytogenetic location: 12q13.2.
Variant type: single nucleotide variant.
Coding change: c.2412G>T on transcript NM_002206.3 (MANE Select); coding-DNA position 2412, G replaced by T.
Protein change: p.Glu804Asp; replaces glutamic acid 804 with aspartic acid.
Molecular consequence: missense variant.
Genome position (GRCh38, 1-based): chr12:55,694,276, C>A on the plus strand (G>T on the coding strand, the complement: ITGA7 is on the minus strand). VCF-style: chr12-55694276-C-A. GRCh37 (hg19) VCF-style: chr12-56088060-C-A.
Other names: c.2085G>T, p.Glu695Asp (NM_001367993.1); c.1068G>T, p.Glu356Asp (NM_001367994.1); c.2394G>T, p.Glu798Asp (NM_001374465.1); c.2544G>T, p.Glu848Asp (NM_001410977.1); c.2406G>T, p.Glu802Asp (NM_001414029.1); c.2337G>T, p.Glu779Asp (NM_001414030.1); c.2325G>T, p.Glu775Asp (NM_001414031.1); c.2292G>T, p.Glu764Asp (NM_001414032.1); and 5 more; short protein forms E356D, E695D, E808D, E798D, E804D, E711D, E848D, E691D.
Identifiers: ClinVar variation 970756 (VCV000970756.10), dbSNP rs775379371, ClinGen allele CA6615609.
Genomic context (GRCh38, chr12:55,694,276, plus strand): 5'-CCCTCCCTCCAATGGAGGTGCCCCCTTGGGCCAGGCTCACCCTGCAATGGACAGTGGCAG[C>A]TCAATGAAGACACGGGCTCGTGCAGAGACTGGATGCAGCTCCTGCTCACTGATCCTGGTG-3'
Protein context (NP_002197.2, residues 794-814): PVSARARVFI[Glu804Asp]LPLSIAGMAI

ClinVar aggregate classification (germline): Uncertain significance (1 of 4 stars; one submission).

Conditions:
Congenital muscular dystrophy due to integrin alpha-7 deficiency. Also called: MYOPATHY, CONGENITAL, DUE TO INTEGRIN ALPHA-7 DEFICIENCY; Congenital muscular dystrophy with integrin alpha-7 deficiency; Muscular dystrophy, congenital, due to ITGA7 deficiency. Identifiers: Orphanet 34520, MedGen C2750786, MONDO:0013177, OMIM 613204.

Allele frequency attached by ClinVar (database versions not stated): gnomAD exomes below 0.00001 and 0.00001; gnomAD 0.00001; TOPMed 0.00002.
gnomAD v4.1: 4 of 1,613,978 alleles (0.00025%); highest among the groups gnomAD compares: Non-Finnish European, 0.00034%; no homozygotes.

Submission:

Labcorp Genetics (formerly Invitae), Labcorp
Classification: Uncertain significance for Congenital muscular dystrophy due to integrin alpha-7 deficiency. Last evaluated: 2019-10-31. Review status: criteria provided, single submitter. Criteria: Invitae Variant Classification Sherloc (09022015). Collection method: clinical testing. Allele origin: germline.
Comment: In summary, the available evidence is currently insufficient to determine the role of this variant in disease. Therefore, it has been classified as a Variant of Uncertain Significance. Algorithms developed to predict the effect of missense changes on protein structure and function are either unavailable or do not agree on the potential impact of this missense change (SIFT: "Deleterious"; PolyPhen-2: "Probably Damaging"; Align-GVGD: "Class C0"). This variant has not been reported in the literature in individuals with ITGA7-related conditions. The frequency data for this variant in the population databases is considered unreliable, as metrics indicate poor data quality at this position in the ExAC database. This sequence change replaces glutamic acid with aspartic acid at codon 804 of the ITGA7 protein (p.Glu804Asp). The glutamic acid residue is moderately conserved and there is a small physicochemical difference between glutamic acid and aspartic acid.